The following is an entry in ClinVar:

NM_000535.7(PMS2):c.2007-7_2007-3delinsTCTGT

Gene: PMS2 (PMS1 homolog 2, mismatch repair system component; minus strand). Cytogenetic location: 7p22.1.
Variant type: Indel.
Coding change: c.2007-7_2007-3delinsTCTGT on transcript NM_000535.7 (MANE Select); 7 bases into the intron before coding-DNA position 2007 through 3 bases into the intron before coding-DNA position 2007, CCTGC replaced by TCTGT.
Molecular consequence: intron variant.
Genome position (GRCh38, 1-based): chr7:5,982,994-5,982,998, GCAGG replaced by ACAGA on the plus strand (CCTGC replaced by TCTGT on the coding strand, the reverse complement: PMS2 is on the minus strand). VCF-style: chr7-5982994-GCAGG-ACAGA. GRCh37 (hg19) VCF-style: chr7-6022625-GCAGG-ACAGA.
Other names: c.1689-7_1689-3delinsTCTGT (NM_001322008.2, NM_001322007.2); c.1446-7_1446-3delinsTCTGT (NM_001322010.2); c.1602-7_1602-3delinsTCTGT (NM_001322004.2, NM_001322003.2, NM_001322009.2 and 1 more transcripts); c.1434-7_1434-3delinsTCTGT (NM_001322013.2); c.1074-7_1074-3delinsTCTGT (NM_001322012.2, NM_001322011.2); c.1698-7_1698-3delinsTCTGT (NM_001322015.2); c.1851-7_1851-3delinsTCTGT (NM_001322006.2); c.2007-7_2007-3delinsTCTGT (NM_001322014.2).
Identifiers: ClinVar variation 939946 (VCV000939946.7), dbSNP rs1782474044, ClinGen allele CA1139659549.
Genomic context (GRCh38, chr7:5,982,994, plus strand): 5'-TATTATAAATCCCAGGTTAAACTGACCAATGATTTCCATTTCTGCAAACATCGTTTTACT[GCAGG>ACAGA]TAGAAAATGTTAATTATCAGACATTTTACAAGATTATTTTTCTGATTATGTTATAGAACA-3'

ClinVar aggregate classification (germline): Uncertain significance (1 of 4 stars; one submission).

Conditions:
Hereditary nonpolyposis colorectal neoplasms. Identifiers: MedGen C0009405, MeSH D003123.

Submission:

Labcorp Genetics (formerly Invitae), Labcorp
Classification: Uncertain significance for Hereditary nonpolyposis colorectal neoplasms. Last evaluated: 2023-11-04. Review status: criteria provided, single submitter. Criteria: Invitae Variant Classification Sherloc (09022015). Collection method: clinical testing. Allele origin: germline.
Comment: This sequence change falls in intron 11 of the PMS2 gene. It does not directly change the encoded amino acid sequence of the PMS2 protein. It affects a nucleotide within the consensus splice site. The frequency data for this variant in the population databases (gnomAD) is considered unreliable due to the presence of homologous sequence, such as pseudogenes or paralogs, in the genome. This variant has not been reported in the literature in individuals affected with PMS2-related conditions. ClinVar contains an entry for this variant (Variation ID: 939946). Variants that disrupt the consensus splice site are a relatively common cause of aberrant splicing (PMID: 17576681, 9536098). In summary, the available evidence is currently insufficient to determine the role of this variant in disease. Therefore, it has been classified as a Variant of Uncertain Significance.

Literature cited by the submitters: PubMed 17576681; PubMed 9536098.